The following is an entry in ClinVar:

ClinVar aggregate classification (germline): Uncertain significance (1 of 4 stars; one submission).

Conditions:
Cardiovascular phenotype. Identifiers: MedGen CN230736.

Allele frequency attached by ClinVar (database versions not stated): gnomAD 0.00001; TOPMed 0.00001; ESP Exome Variant Server 0.00008.
gnomAD v4.1: 1 of 1,613,078 alleles (0.000062%); highest among the groups gnomAD compares: African/African-American, 0.0013%; no homozygotes.

Submission:

Ambry Genetics
Classification: Uncertain significance for Cardiovascular phenotype. Last evaluated: 2022-01-02. Review status: criteria provided, single submitter. Criteria: Ambry Variant Classification Scheme 2023. Collection method: clinical testing. Allele origin: germline.
Comment: The p.G127R variant (also known as c.379G>C), located in coding exon 4 of the TRPM4 gene, results from a G to C substitution at nucleotide position 379. The glycine at codon 127 is replaced by arginine, an amino acid with dissimilar properties. This amino acid position is conserved. In addition, this alteration is predicted to be tolerated by in silico analysis. Since supporting evidence is limited at this time, the clinical significance of this alteration remains unclear.

NM_017636.4(TRPM4):c.379G>C (p.Gly127Arg)

Gene: TRPM4 (transient receptor potential cation channel subfamily M member 4; plus strand). Cytogenetic location: 19q13.33.
Variant type: single nucleotide variant.
Coding change: c.379G>C on transcript NM_017636.4 (MANE Select); coding-DNA position 379, G replaced by C.
Protein change: p.Gly127Arg; replaces glycine 127 with arginine.
Molecular consequence: missense variant. On other transcripts: intron variant (4).
Genome position (GRCh38, 1-based): chr19:49,168,028, G>C. VCF-style: chr19-49168028-G-C. GRCh37 (hg19) VCF-style: chr19-49671285-G-C.
Other names: c.379G>C, p.Gly127Arg (NM_001195227.2); c.-1105-232G>C (NM_001321282.2); c.268-525G>C (NM_001321281.2); c.-74-232G>C (NM_001321283.2); c.-237-525G>C (NM_001321285.2); short protein forms G127R.
Identifiers: ClinVar variation 1735024 (VCV001735024.2), dbSNP rs368769982, ClinGen allele CA309430823.